The following is an entry in ClinVar:

ClinVar aggregate classification (germline): Conflicting classifications of pathogenicity. Review status: criteria provided, conflicting classifications (1 of 4 stars). 5 submissions from 5 submitters: Uncertain significance (1); Benign (2); Likely benign (1). 1 of the submissions does not count toward it. Last evaluated 2025-12-26.

Conditions:
KMT2D-related disorder. Also called: KMT2D-Related Disorders.
Kabuki syndrome. Also called: NIIKAWA-KUROKI SYNDROME; Kabuki make-up syndrome. Identifiers: Orphanet 2322, MedGen C0796004, MONDO:0016512.

Allele frequency attached by ClinVar (database versions not stated): gnomAD exomes 0.00012; ExAC 0.00013; ESP Exome Variant Server 0.00024; gnomAD 0.00029; TOPMed 0.00039; 1000 Genomes Project 0.00060; 1000 Genomes Project 30x 0.00062.
gnomAD v4.1: 94 of 1,611,178 alleles (0.0058%); highest among the groups gnomAD compares: African/African-American, 0.11%; 1 homozygote.

Submissions (5):

Labcorp Genetics (formerly Invitae), Labcorp
Classification: Benign for Kabuki syndrome. Last evaluated: 2025-12-26. Review status: criteria provided, single submitter. Criteria: Invitae Variant Classification Sherloc (09022015). Collection method: clinical testing. Allele origin: germline.

Blueprint Genetics
Classification: Likely benign. Last evaluated: 2022-12-08. Review status: criteria provided, single submitter. Criteria: ACMG Guidelines, 2015. Collection method: clinical testing. Allele origin: germline.

GeneDx
Classification: Benign. Last evaluated: 2020-10-13. Review status: criteria provided, single submitter. Criteria: GeneDx Variant Classification Process June 2021. Collection method: clinical testing. Allele origin: germline. Affected: yes.

Eurofins Ntd Llc (ga)
Classification: Uncertain significance. Last evaluated: 2015-11-23. Review status: criteria provided, single submitter. Criteria: EGL Classification Definitions 2015. Collection method: clinical testing. Allele origin: germline. Observed: 1 variant allele, 1 heterozygote.

PreventionGenetics, part of Exact Sciences
Classification: Likely benign for KMT2D-related condition. Last evaluated: 2019-10-11. Review status: no assertion criteria provided. Collection method: clinical testing. Allele origin: germline. Not counted in ClinVar's aggregate classification.
Comment: This variant is classified as likely benign based on ACMG/AMP sequence variant interpretation guidelines (Richards et al. 2015 PMID: 25741868, with internal and published modifications).

NM_003482.4(KMT2D):c.840-6C>T

Gene: KMT2D (lysine methyltransferase 2D; minus strand). Cytogenetic location: 12q13.12.
Variant type: single nucleotide variant.
Coding change: c.840-6C>T on transcript NM_003482.4 (MANE Select); 6 bases into the intron before coding-DNA position 840, C replaced by T.
Molecular consequence: intron variant.
Genome position (GRCh38, 1-based): chr12:49,053,327, G>A on the plus strand (C>T on the coding strand, the complement: KMT2D is on the minus strand). VCF-style: chr12-49053327-G-A. GRCh37 (hg19) VCF-style: chr12-49447110-G-A.
Identifiers: ClinVar variation 285016 (VCV000285016.18), dbSNP rs182926808, ClinGen allele CA6548635.